The following is an entry in ClinVar:

ClinVar aggregate classification (germline): Benign. Review status: criteria provided, multiple submitters, no conflicts (2 of 4 stars). 2 submissions from 2 submitters: Benign (2). Last evaluated 2017-11-01.

Allele frequency attached by ClinVar (database versions not stated): gnomAD exomes 0.00948; ExAC 0.01329; gnomAD 0.03199 and 0.03418; 1000 Genomes Project 0.03311; 1000 Genomes Project 30x 0.03330; TOPMed 0.03697; ESP Exome Variant Server 0.04270.
gnomAD v4.1: 6,292 of 927,014 alleles (0.68%); highest among the groups gnomAD compares: African/African-American, 11%; 231 homozygotes.

Submissions (2):

GeneDx
Classification: Benign. Last evaluated: 2017-11-01. Review status: criteria provided, single submitter. Criteria: GeneDx Variant Classification (06012015). Collection method: clinical testing. Allele origin: germline. Affected: yes.
Comment: This variant is considered likely benign or benign based on one or more of the following criteria: it is a conservative change, it occurs at a poorly conserved position in the protein, it is predicted to be benign by multiple in silico algorithms, and/or has population frequency not consistent with disease.

Breakthrough Genomics
Classification: Benign. Review status: criteria provided, single submitter. Criteria: ACMG Guidelines, 2015. Collection method: not provided. Allele origin: germline. Inheritance: X-linked inheritance. Affected: yes.

NM_005032.7(PLS3):c.-8-20C>T

Gene: PLS3 (plastin 3; plus strand). Cytogenetic location: Xq23.
Variant type: single nucleotide variant.
Coding change: c.-8-20C>T on transcript NM_005032.7 (MANE Select); 20 bases into the intron before 8 bases upstream of the start codon, C replaced by T.
Molecular consequence: intron variant.
Genome position (GRCh38, 1-based): chrX:115,610,223, C>T. VCF-style: chrX-115610223-C-T. GRCh37 (hg19) VCF-style: chrX-114844535-C-T.
Other names: c.-193-20C>T (NM_001282337.2); c.-525-20C>T (NM_001282338.2); c.-8-20C>T (NM_001136025.5, NM_001172335.3).
Identifiers: ClinVar variation 516327 (VCV000516327.2), dbSNP rs114186394, ClinGen allele CA10496803.
Genomic context (GRCh38, chrX:115,610,223, plus strand): 5'-CCCTAAGATGAGAACTTAGCAAGAGTGCTTATATTTATCACAATTTTTTAAAGTCTGAAA[C>T]GTTTTTGGTTTTTCTTTAGATCTTTAAATGGATGAGATGGCTACCACTCAGATTTCCAAA-3'